The following is an entry in ClinVar:

ClinVar aggregate classification (germline): Likely pathogenic (1 of 4 stars; one submission).

gnomAD v4.1: 3 of 1,614,100 alleles (0.00019%); highest among the groups gnomAD compares: Non-Finnish European, 0.00025%; no homozygotes.

Submission:

Labcorp Genetics (formerly Invitae), Labcorp
Classification: Likely pathogenic. Last evaluated: 2025-03-19. Review status: criteria provided, single submitter. Criteria: Invitae Variant Classification Sherloc (09022015). Collection method: clinical testing. Allele origin: germline.
Comment: This sequence change replaces arginine, which is basic and polar, with leucine, which is neutral and non-polar, at codon 550 of the ASNS protein (p.Arg550Leu). This variant is not present in population databases (gnomAD no frequency). This variant has not been reported in the literature in individuals affected with ASNS-related conditions. ClinVar contains an entry for this variant (Variation ID: 1431339). Invitae Evidence Modeling of protein sequence and biophysical properties (such as structural, functional, and spatial information, amino acid conservation, physicochemical variation, residue mobility, and thermodynamic stability) indicates that this missense variant is expected to disrupt ASNS protein function with a positive predictive value of 95%. This variant disrupts the p.Arg550 amino acid residue in ASNS. Other variant(s) that disrupt this residue have been determined to be pathogenic (PMID: 24139043, 27522229, 29405484). This suggests that this residue is clinically significant, and that variants that disrupt this residue are likely to be disease-causing. In summary, the currently available evidence indicates that the variant is pathogenic, but additional data are needed to prove that conclusively. Therefore, this variant has been classified as Likely Pathogenic.

Literature cited by the submitters: PubMed 24139043; PubMed 27522229; PubMed 29405484.

NM_001673.5(ASNS):c.1649G>T (p.Arg550Leu)

Genes: ASNS (asparagine synthetase (glutamine-hydrolyzing); minus strand), CZ1P-ASNS (CZ1P-ASNS readthrough; minus strand). Cytogenetic location: 7q21.3.
Variant type: single nucleotide variant.
Coding change: c.1649G>T on transcript NM_001673.5 (MANE Select); coding-DNA position 1649, G replaced by T.
Protein change: p.Arg550Leu; replaces arginine 550 with leucine.
Molecular consequence: missense variant. On other transcripts: non-coding transcript variant (1).
Genome position (GRCh38, 1-based): chr7:97,852,296, C>A on the plus strand (G>T on the coding strand, the complement: ASNS is on the minus strand). VCF-style: chr7-97852296-C-A. GRCh37 (hg19) VCF-style: chr7-97481608-C-A.
Other names: c.1586G>T, p.Arg529Leu (NM_001178075.2); c.1400G>T, p.Arg467Leu (NM_001178076.2, NM_001178077.1); c.1649G>T, p.Arg550Leu (NM_001352496.2, NM_133436.3, NM_183356.4); short protein forms R467L, R550L, R529L.
Identifiers: ClinVar variation 1431339 (VCV001431339.8), dbSNP rs552452349, ClinGen allele CA368264014.